The following is an entry in ClinVar:

NM_000719.7(CACNA1C):c.3001C>T (p.Arg1001Ter)

Gene: CACNA1C (calcium voltage-gated channel subunit alpha1 C; plus strand). Cytogenetic location: 12p13.33.
Variant type: single nucleotide variant.
Coding change: c.3001C>T on transcript NM_000719.7 (MANE Select); coding-DNA position 3001, C replaced by T.
Protein change: p.Arg1001Ter; replaces arginine 1001 with a stop codon.
Molecular consequence: nonsense.
Genome position (GRCh38, 1-based): chr12:2,605,121, C>T. VCF-style: chr12-2605121-C-T. GRCh37 (hg19) VCF-style: chr12-2714287-C-T.
Other names: c.3061C>T, p.Arg1021Ter (NM_001129827.2, NM_001129832.2, NM_199460.4); c.3001C>T, p.Arg1001Ter (NM_001129829.2, NM_001129830.3, NM_001129831.2 and 15 more transcripts); c.2992C>T, p.Arg998Ter (NM_001129844.2); short protein forms R1001*, R1021*, R998*.
Identifiers: ClinVar variation 1302480 (VCV001302480.3), dbSNP rs1555879031, ClinGen allele CA383373700.

ClinVar aggregate classification (germline): Pathogenic (1 of 4 stars; one submission).

Submission:

GeneDx
Classification: Pathogenic. Last evaluated: 2023-11-12. Review status: criteria provided, single submitter. Criteria: GeneDx Variant Classification Process June 2021. Collection method: clinical testing. Allele origin: germline. Affected: yes.
Comment: Nonsense variant predicted to result in protein truncation or nonsense mediated decay in a gene for which loss of function is a known mechanism of disease; Not observed at significant frequency in large population cohorts (gnomAD); Has not been previously published as pathogenic or benign to our knowledge